The following is an entry in ClinVar:

ClinVar aggregate classification (germline): Uncertain significance (1 of 4 stars; one submission).

Conditions:
Kabuki syndrome. Also called: NIIKAWA-KUROKI SYNDROME; Kabuki make-up syndrome. Identifiers: Orphanet 2322, MedGen C0796004, MONDO:0016512.

gnomAD v4.1: 7 of 1,570,614 alleles (0.00045%); highest among the groups gnomAD compares: Non-Finnish European, 0.00061%; no homozygotes.

Submission:

Labcorp Genetics (formerly Invitae), Labcorp
Classification: Uncertain significance for Kabuki syndrome. Last evaluated: 2025-10-01. Review status: criteria provided, single submitter. Criteria: Invitae Variant Classification Sherloc (09022015). Collection method: clinical testing. Allele origin: germline.
Comment: This sequence change replaces glutamic acid, which is acidic and polar, with aspartic acid, which is acidic and polar, at codon 685 of the KMT2D protein (p.Glu685Asp). This variant is not present in population databases (gnomAD no frequency). This variant has not been reported in the literature in individuals affected with KMT2D-related conditions. ClinVar contains an entry for this variant (Variation ID: 1468709). Invitae Evidence Modeling of protein sequence and biophysical properties (such as structural, functional, and spatial information, amino acid conservation, physicochemical variation, residue mobility, and thermodynamic stability) indicates that this missense variant is not expected to disrupt KMT2D protein function with a negative predictive value of 95%. In summary, the available evidence is currently insufficient to determine the role of this variant in disease. Therefore, it has been classified as a Variant of Uncertain Significance.

NM_003482.4(KMT2D):c.2055G>T (p.Glu685Asp)

Gene: KMT2D (lysine methyltransferase 2D; minus strand). Cytogenetic location: 12q13.12.
Variant type: single nucleotide variant.
Coding change: c.2055G>T on transcript NM_003482.4 (MANE Select); coding-DNA position 2055, G replaced by T.
Protein change: p.Glu685Asp; replaces glutamic acid 685 with aspartic acid.
Molecular consequence: missense variant.
Genome position (GRCh38, 1-based): chr12:49,051,628, C>A on the plus strand (G>T on the coding strand, the complement: KMT2D is on the minus strand). VCF-style: chr12-49051628-C-A. GRCh37 (hg19) VCF-style: chr12-49445411-C-A.
Other names: short protein forms E685D.
Identifiers: ClinVar variation 1468709 (VCV001468709.6), dbSNP rs769775749, ClinGen allele CA384669020.